The following is an entry in ClinVar:

ClinVar aggregate classification (germline): Uncertain significance (1 of 4 stars; one submission).

gnomAD v4.1: 1 of 1,601,664 alleles (0.000062%); highest among the groups gnomAD compares: Non-Finnish European, 0.000085%; no homozygotes.

Submission:

Labcorp Genetics (formerly Invitae), Labcorp
Classification: Uncertain significance. Last evaluated: 2023-04-11. Review status: criteria provided, single submitter. Criteria: Invitae Variant Classification Sherloc (09022015). Collection method: clinical testing. Allele origin: germline.
Comment: In summary, the available evidence is currently insufficient to determine the role of this variant in disease. Therefore, it has been classified as a Variant of Uncertain Significance. Variants that disrupt the consensus splice site are a relatively common cause of aberrant splicing (PMID: 17576681, 9536098). Algorithms developed to predict the effect of sequence changes on RNA splicing suggest that this variant may disrupt the consensus splice site. ClinVar contains an entry for this variant (Variation ID: 2174872). This variant has not been reported in the literature in individuals affected with COX15-related conditions. This variant is not present in population databases (gnomAD no frequency). This sequence change falls in intron 4 of the COX15 gene. It does not directly change the encoded amino acid sequence of the COX15 protein. It affects a nucleotide within the consensus splice site.

Literature cited by the submitters: PubMed 17576681; PubMed 9536098.

NM_078470.6(COX15):c.582+5G>T

Gene: COX15 (cytochrome c oxidase assembly factor COX15; minus strand). Cytogenetic location: 10q24.2.
Variant type: single nucleotide variant.
Coding change: c.582+5G>T on transcript NM_078470.6 (MANE Select); 5 bases into the intron after coding-DNA position 582, G replaced by T.
Molecular consequence: intron variant.
Genome position (GRCh38, 1-based): chr10:99,726,963, C>A on the plus strand (G>T on the coding strand, the complement: COX15 is on the minus strand). VCF-style: chr10-99726963-C-A. GRCh37 (hg19) VCF-style: chr10-101486720-C-A.
Other names: c.582+5G>T (NM_001320974.2, NM_001372026.1, NM_001372028.1 and 5 more transcripts); c.45+5G>T (NM_001320976.2).
Identifiers: ClinVar variation 2174872 (VCV002174872.4), dbSNP rs746022222, ClinGen allele CA2580082546.